The following is an entry in ClinVar:

ClinVar aggregate classification (germline): Conflicting classifications of pathogenicity. Review status: criteria provided, conflicting classifications (1 of 4 stars). 2 submissions from 2 submitters: Uncertain significance (1); Likely benign (1). Last evaluated 2025-04-30.

Conditions:
UTP4-related disorder. Also called: UTP4-related condition.

Allele frequency attached by ClinVar (database versions not stated): ExAC 0.00001; gnomAD 0.00003; TOPMed 0.00003; gnomAD exomes 0.00004; ESP Exome Variant Server 0.00008.
gnomAD v4.1: 56 of 1,614,148 alleles (0.0035%); highest among the groups gnomAD compares: South Asian, 0.0077%; no homozygotes.

Submissions (2):

PreventionGenetics, part of Exact Sciences
Classification: Likely benign for UTP4-related condition. Last evaluated: 2025-04-30. Review status: criteria provided, single submitter. Criteria: ACMG Guidelines, 2015. Collection method: clinical testing. Allele origin: germline.
Comment: This variant is classified as likely benign based on ACMG/AMP sequence variant interpretation guidelines (Richards et al. 2015 PMID: 25741868, with internal and published modifications).

Labcorp Genetics (formerly Invitae), Labcorp
Classification: Uncertain significance. Last evaluated: 2022-03-23. Review status: criteria provided, single submitter. Criteria: Invitae Variant Classification Sherloc (09022015). Collection method: clinical testing. Allele origin: germline.
Comment: This variant is present in population databases (rs200162340, gnomAD 0.003%). This sequence change affects codon 439 of the UTP4 mRNA. It is a 'silent' change, meaning that it does not change the encoded amino acid sequence of the UTP4 protein. This variant has not been reported in the literature in individuals affected with UTP4-related conditions. Algorithms developed to predict the effect of sequence changes on RNA splicing suggest that this variant may disrupt the consensus splice site. In summary, the available evidence is currently insufficient to determine the role of this variant in disease. Therefore, it has been classified as a Variant of Uncertain Significance.

NM_032830.3(UTP4):c.1317T>A (p.Ser439=)

Gene: UTP4 (UTP4 small subunit processome component). Cytogenetic location: 16q22.1.
Variant type: single nucleotide variant.
Coding change: c.1317T>A on transcript NM_032830.3 (MANE Select); coding-DNA position 1317, T replaced by A.
Protein change: p.Ser439=; no amino-acid change (serine 439 retained).
Molecular consequence: synonymous variant.
Genome position (GRCh38, 1-based): chr16:69,157,113, T>A. VCF-style: chr16-69157113-T-A. GRCh37 (hg19) VCF-style: chr16-69191016-T-A.
Other names: c.1317T>A (NM_032830.2); c.1068T>A, p.Ser356= (NM_001318391.2).
Identifiers: ClinVar variation 2417789 (VCV002417789.8), dbSNP rs200162340, ClinGen allele CA8132404.